The following is an entry in ClinVar:

ClinVar aggregate classification (germline): Likely benign. Review status: criteria provided, multiple submitters, no conflicts (2 of 4 stars). 2 submissions from 2 submitters: Likely benign (2). Last evaluated 2026-09-01.

gnomAD v4.1: 593 of 1,613,974 alleles (0.037%); highest among the groups gnomAD compares: Admixed American, 0.46%; 1 homozygote.

Submissions (3):

CeGaT Center for Human Genetics Tuebingen
Classification: Likely benign. Last evaluated: 2026-09-01. Review status: criteria provided, single submitter. Criteria: CeGaT Center For Human Genetics Tuebingen Variant Classification Criteria Version 2. Collection method: clinical testing. Allele origin: germline. Affected: yes. Observed: 8 variant alleles.
Comment: SPEN: BP4, BP7, BS1

Blueprint Genetics
Classification: Likely benign. Last evaluated: 2024-11-04. Review status: criteria provided, single submitter. Criteria: ACMG Guidelines, 2015. Collection method: clinical testing. Allele origin: germline.

Dr. Peter K. Rogan Lab, Western University
No classification provided (evidence only). Condition: Sarcoma. Review status: no classification provided. Collection method: in vitro. Allele origin: not applicable. Functional consequence: skipped exon. Not counted in ClinVar's aggregate classification.

NM_015001.3(SPEN):c.618C>T (p.Arg206=)

Gene: SPEN (spen family transcriptional repressor; plus strand). Cytogenetic location: 1p36.21.
Variant type: single nucleotide variant.
Coding change: c.618C>T on transcript NM_015001.3 (MANE Select); coding-DNA position 618, C replaced by T.
Protein change: p.Arg206=; no amino-acid change (arginine 206 retained).
Molecular consequence: synonymous variant.
Genome position (GRCh38, 1-based): chr1:15,876,415, C>T. VCF-style: chr1-15876415-C-T. GRCh37 (hg19) VCF-style: chr1-16202910-C-T.
Other names: NC_000001.10:g.16202910C>T.
Identifiers: ClinVar variation 4083813 (VCV004083813.10).